The following is an entry in ClinVar:

ClinVar aggregate classification (germline): Likely benign. Review status: criteria provided, multiple submitters, no conflicts (2 of 4 stars). 3 submissions from 3 submitters: Likely benign (2). 1 of the submissions does not count toward it. Last evaluated 2024-10-01.

Conditions:
SPTBN4-related disorder. Also called: SPTBN4-related condition.

Allele frequency attached by ClinVar (database versions not stated): TOPMed 0.00005; gnomAD 0.00022; gnomAD exomes 0.00039; 1000 Genomes Project 0.00100; 1000 Genomes Project 30x 0.00109; ExAC 0.00311.
gnomAD v4.1: 572 of 1,553,836 alleles (0.037%); highest among the groups gnomAD compares: South Asian, 0.65%; 8 homozygotes.

Submissions (3):

Blueprint Genetics
Classification: Likely benign. Last evaluated: 2024-10-01. Review status: criteria provided, single submitter. Criteria: ACMG Guidelines, 2015. Collection method: clinical testing. Allele origin: germline.

CeGaT Center for Human Genetics Tuebingen
Classification: Likely benign. Last evaluated: 2024-07-01. Review status: criteria provided, single submitter. Criteria: CeGaT Center For Human Genetics Tuebingen Variant Classification Criteria Version 2. Collection method: clinical testing. Allele origin: germline. Affected: yes. Observed: 1 variant allele.
Comment: SPTBN4: BP4, BP7

PreventionGenetics, part of Exact Sciences
Classification: Likely benign for SPTBN4-related condition. Last evaluated: 2019-04-26. Review status: no assertion criteria provided. Collection method: clinical testing. Allele origin: germline. Not counted in ClinVar's aggregate classification.
Comment: This variant is classified as likely benign based on ACMG/AMP sequence variant interpretation guidelines (Richards et al. 2015 PMID: 25741868, with internal and published modifications).

NM_020971.3(SPTBN4):c.6720G>A (p.Ala2240=)

Gene: SPTBN4 (spectrin beta, non-erythrocytic 4; plus strand). Cytogenetic location: 19q13.2.
Variant type: single nucleotide variant.
Coding change: c.6720G>A on transcript NM_020971.3 (MANE Select); coding-DNA position 6720, G replaced by A.
Protein change: p.Ala2240=; no amino-acid change (alanine 2240 retained).
Molecular consequence: synonymous variant.
Genome position (GRCh38, 1-based): chr19:40,568,046, G>A. VCF-style: chr19-40568046-G-A. GRCh37 (hg19) VCF-style: chr19-41073952-G-A.
Identifiers: ClinVar variation 3048556 (VCV003048556.18), dbSNP rs545870106, ClinGen allele CA9446804.